The following is an entry in ClinVar:

ClinVar aggregate classification (germline): Conflicting classifications of pathogenicity. Review status: criteria provided, conflicting classifications (1 of 4 stars). 2 submissions from 2 submitters: Uncertain significance (1); Likely benign (1). Last evaluated 2026-08-01.

gnomAD v4.1: 158 of 1,289,042 alleles (0.012%); highest among the groups gnomAD compares: Non-Finnish European, 0.015%; no homozygotes.

Submissions (2):

CeGaT Center for Human Genetics Tuebingen
Classification: Uncertain significance. Last evaluated: 2026-08-01. Review status: criteria provided, single submitter. Criteria: CeGaT Center For Human Genetics Tuebingen Variant Classification Criteria Version 2. Collection method: clinical testing. Allele origin: germline. Affected: yes. Observed: 2 variant alleles.
Comment: STIM1: PM2

Mayo Clinic Laboratories, Mayo Clinic
Classification: Likely benign. Last evaluated: 2024-12-10. Review status: criteria provided, single submitter. Criteria: ACMG Guidelines, 2015. Collection method: clinical testing. Allele origin: germline. Observed: 1 variant allele.
Comment: BS1, BP4_moderate

NM_001382567.1(STIM1):c.1562A>T (p.Tyr521Phe)

Gene: STIM1 (stromal interaction molecule 1; plus strand). Cytogenetic location: 11p15.4.
Variant type: single nucleotide variant.
Coding change: c.1562A>T on transcript NM_001382567.1 (MANE Select); coding-DNA position 1562, A replaced by T.
Protein change: p.Tyr521Phe; replaces tyrosine 521 with phenylalanine.
Molecular consequence: missense variant. On other transcripts: intron variant (15).
Genome position (GRCh38, 1-based): chr11:4,084,760, A>T. VCF-style: chr11-4084760-A-T. GRCh37 (hg19) VCF-style: chr11-4105990-A-T.
Other names: p.?; c.1252+1262A>T (NM_001382578.1, NM_001382575.1, NM_001382576.1 and 3 more transcripts); c.985+1262A>T (NM_001382580.1, NM_001382581.1); c.1495+1262A>T (NM_001382568.1); c.1474+1262A>T (NM_001277962.2, NM_003156.4, NM_001277961.3); c.1246+1262A>T (NM_001382570.1); c.1339+1262A>T (NM_001382569.1); c.994+1262A>T (NM_001382571.1); short protein forms Y521F.
Identifiers: ClinVar variation 4683579 (VCV004683579.5).
Genomic context (GRCh38, chr11:4,084,760, plus strand): 5'-TCAGTGACCGCTCTCTCTGCTCTACATCCGCCGGCTCGGATGATCAGTCCCTCTGGAAAT[A>T]CCCCGGTTTGAGGAGCCCCTTTGGGGCATTTTGTTTTTCTGACTTTCGGGACTAAATCAA-3'
Protein context (NP_001369496.1, residues 511-531): AGSDDQSLWK[Tyr521Phe]PAPSLQSSVR